The following is an entry in ClinVar:

ClinVar aggregate classification (germline): Uncertain significance. Review status: reviewed by expert panel (3 of 4 stars). 3 submissions from 3 submitters: Uncertain significance (1). 2 of the submissions do not count toward it. Last evaluated 2024-10-29.

Conditions:
Hereditary thrombocytopenia and hematological cancer predisposition syndrome associated with RUNX1. Also called: Familial Platelet Disorder with Propensity to Acute Myelogenous Leukemia; Familial thrombocytopenia with propensity to acute myelogenous leukemia; RUNX1 Familial Platelet Disorder with Associated Myeloid Malignancies; PLATELET DISORDER, ASPIRIN-LIKE. Identifiers: Orphanet 71290, MedGen C1832388, MeSH C563324, MONDO:0100083, OMIM 601399.
Hereditary thrombocytopenia and hematologic cancer predisposition syndrome. Identifiers: Orphanet 71290, MedGen CN281654, MONDO:0011071.
Inborn genetic diseases. Identifiers: MedGen C0950123, MeSH D030342.

Submissions (3):

ClinGen Myeloid Malignancy Variant Curation Expert Panel
Classification: Uncertain significance for Hereditary thrombocytopenia and hematologic cancer predisposition syndrome. Last evaluated: 2024-10-29. Review status: reviewed by expert panel. Criteria: ClinGen MyeloMalig ACMG Specifications v2. Collection method: curation. Allele origin: germline. Inheritance: Autosomal dominant inheritance.
Comment: NM_001754.5(RUNX1):c.181C>A (p.Pro61Thr) is a missense variant which has a REVEL score <0.50 (0.338) and a SpliceAI score ≤0.20 (0.01) (BP4). This variant is completely absent from all population databases with at least 20x coverage for RUNX1 (PM2_supporting). In summary, the clinical significance of this variant is uncertain. ACMG/AMP criteria applied, as specified by the Myeloid Malignancy Variant Curation Expert Panel for RUNX1: BP4, PM2_supporting.

Ambry Genetics
Classification: Uncertain significance for Inborn genetic diseases. Last evaluated: 2026-07-07. Review status: criteria provided, single submitter. Criteria: Ambry Variant Classification Scheme 2023. Collection method: clinical testing. Allele origin: germline. Not counted in ClinVar's aggregate classification.
Comment: The p.P61T variant (also known as c.181C>A), located in coding exon 3 of the RUNX1 gene, results from a C to A substitution at nucleotide position 181. The proline at codon 61 is replaced by threonine, an amino acid with highly similar properties. This amino acid position is conserved. In addition, the in silico prediction for this alteration is inconclusive. Based on the available evidence, the clinical significance of this variant remains unclear.

Labcorp Genetics (formerly Invitae), Labcorp
Classification: Uncertain significance for Hereditary thrombocytopenia and hematological cancer predisposition syndrome associated with RUNX1. Last evaluated: 2021-11-19. Review status: criteria provided, single submitter. Criteria: Invitae Variant Classification Sherloc (09022015). Collection method: clinical testing. Allele origin: germline. Not counted in ClinVar's aggregate classification.
Comment: In summary, the available evidence is currently insufficient to determine the role of this variant in disease. Therefore, it has been classified as a Variant of Uncertain Significance. Algorithms developed to predict the effect of missense changes on protein structure and function (SIFT, PolyPhen-2, Align-GVGD) all suggest that this variant is likely to be tolerated. This variant has not been reported in the literature in individuals affected with RUNX1-related conditions. This variant is not present in population databases (gnomAD no frequency). This sequence change replaces proline, which is neutral and non-polar, with threonine, which is neutral and polar, at codon 61 of the RUNX1 protein (p.Pro61Thr).

NM_001754.5(RUNX1):c.181C>A (p.Pro61Thr)

Gene: RUNX1 (RUNX family transcription factor 1; minus strand). Cytogenetic location: 21q22.12.
Variant type: single nucleotide variant.
Coding change: c.181C>A on transcript NM_001754.5 (MANE Select); coding-DNA position 181, C replaced by A.
Protein change: p.Pro61Thr; replaces proline 61 with threonine.
Molecular consequence: missense variant.
Genome position (GRCh38, 1-based): chr21:34,887,013, G>T on the plus strand (C>A on the coding strand, the complement: RUNX1 is on the minus strand). VCF-style: chr21-34887013-G-T. GRCh37 (hg19) VCF-style: chr21-36259310-G-T.
Other names: NM_001754.5(RUNX1):c.181C>A; p.Pro61Thr; c.100C>A, p.Pro34Thr (NM_001001890.3, NM_001122607.2); c.181C>A (NM_001754.4); short protein forms P34T, P61T.
Identifiers: ClinVar variation 1479428 (VCV001479428.8), dbSNP rs776929941, ClinGen allele CA410203993.